The following is an entry in ClinVar:

NM_004006.3(DMD):c.7711C>T (p.Arg2571Trp)

Gene: DMD (dystrophin; minus strand). Cytogenetic location: Xp21.1.
Variant type: single nucleotide variant.
Coding change: c.7711C>T on transcript NM_004006.3 (MANE Select); coding-DNA position 7711, C replaced by T.
Protein change: p.Arg2571Trp; replaces arginine 2571 with tryptophan.
Molecular consequence: missense variant.
Genome position (GRCh38, 1-based): chrX:31,679,536, G>A on the plus strand (C>T on the coding strand, the complement: DMD is on the minus strand). VCF-style: chrX-31679536-G-A. GRCh37 (hg19) VCF-style: chrX-31697653-G-A.
Other names: c.7687C>T, p.Arg2563Trp (NM_000109.4); c.7699C>T, p.Arg2567Trp (NM_004009.3); c.7342C>T, p.Arg2448Trp (NM_004010.3); c.3688C>T, p.Arg1230Trp (NM_004011.4); c.3679C>T, p.Arg1227Trp (NM_004012.4); c.331C>T, p.Arg111Trp (NM_004013.3, NM_004020.4, NM_004021.3 and 2 more transcripts); short protein forms R1227W, R2448W, R2563W, R2567W, R1230W, R111W, R2571W.
Identifiers: ClinVar variation 965317 (VCV000965317.11), dbSNP rs757011771, ClinGen allele CA10378224.

ClinVar aggregate classification (germline): Conflicting classifications of pathogenicity. Review status: criteria provided, conflicting classifications (1 of 4 stars). 4 submissions from 4 submitters: Uncertain significance (2); Likely benign (1). 1 of the submissions does not count toward it. Last evaluated 2026-01-07.

Conditions:
Cardiovascular phenotype. Identifiers: MedGen CN230736.
Duchenne muscular dystrophy (DMD). Also called: MUSCULAR DYSTROPHY, PSEUDOHYPERTROPHIC PROGRESSIVE, DUCHENNE TYPE; Duchenne Muscular Dystrophy (DMD). Identifiers: Orphanet 98896, MedGen C0013264, MONDO:0010679, OMIM 310200.
Dystrophin deficiency.
Becker muscular dystrophy (BMD). Also called: MUSCULAR DYSTROPHY, PSEUDOHYPERTROPHIC PROGRESSIVE, BECKER TYPE; Becker Muscular Dystrophy (BMD). Identifiers: Orphanet 98895, MedGen C0917713, MONDO:0010311, OMIM 300376.
Cardiomyopathy (CMYO). Also called: Cardiomyopathies. Identifiers: Orphanet 167848, MedGen C0878544, MONDO:0004994, HP:0001638. Inheritance: Various modes of inheritance.
Dilated cardiomyopathy 3B (CMD3B). Also called: CMD3B: DMD-Related Dilated Cardiomyopathy; CARDIOMYOPATHY, DILATED, X-LINKED; DMD-Associated Dilated Cardiomyopathy. Identifiers: Orphanet 154, MedGen C3668940, MONDO:0010542, OMIM 302045.

Allele frequency attached by ClinVar (database versions not stated): TOPMed 0.00001; ExAC 0.00002; gnomAD 0.00002; gnomAD exomes 0.00003.
gnomAD v4.1: 8 of 1,209,684 alleles (0.00066%); highest among the groups gnomAD compares: East Asian, 0.0089%; no homozygotes.

Submissions (4):

Labcorp Genetics (formerly Invitae), Labcorp
Classification: Likely benign for Duchenne muscular dystrophy. Last evaluated: 2026-01-07. Review status: criteria provided, single submitter. Criteria: Invitae Variant Classification Sherloc (09022015). Collection method: clinical testing. Allele origin: germline.

Ambry Genetics
Classification: Uncertain significance for Cardiovascular phenotype. Last evaluated: 2022-01-05. Review status: criteria provided, single submitter. Criteria: Ambry Variant Classification Scheme 2023. Collection method: clinical testing. Allele origin: germline.
Comment: The p.R2571W variant (also known as c.7711C>T), located in coding exon 53 of the DMD gene, results from a C to T substitution at nucleotide position 7711. The arginine at codon 2571 is replaced by tryptophan, an amino acid with dissimilar properties. Based on data from gnomAD, the T allele has an overall frequency of 0.0027% (5/183096) total alleles studied, with 2 hemizygote(s) observed. The highest observed frequency was 0.0216% (3/13859) of East Asian alleles. This amino acid position is highly conserved in available vertebrate species. In addition, this alteration is predicted to be deleterious by in silico analysis. Since supporting evidence is limited at this time, the clinical significance of this alteration remains unclear.

Fulgent Genetics
Classification: Uncertain significance for Becker muscular dystrophy; Dilated cardiomyopathy 3B; Duchenne muscular dystrophy. Last evaluated: 2021-07-21. Review status: criteria provided, single submitter. Criteria: ACMG Guidelines, 2015. Collection method: clinical testing. Allele origin: unknown.

Natera, Inc.
Classification: Uncertain significance for Becker muscular dystrophy; Cardiomyopathy; Duchenne muscular dystrophy; Dystrophin deficiency. Last evaluated: 2020-10-12. Review status: no assertion criteria provided. Collection method: clinical testing. Allele origin: germline. Not counted in ClinVar's aggregate classification.